The following is an entry in ClinVar:

ClinVar aggregate classification (germline): Likely pathogenic (1 of 4 stars; one submission).

gnomAD v4.1: 1 of 1,603,040 alleles (0.000062%); highest among the groups gnomAD compares: Non-Finnish European, 0.000085%; no homozygotes.

Submission:

Labcorp Genetics (formerly Invitae), Labcorp
Classification: Likely pathogenic. Last evaluated: 2023-09-10. Review status: criteria provided, single submitter. Criteria: Invitae Variant Classification Sherloc (09022015). Collection method: clinical testing. Allele origin: germline.
Comment: This sequence change affects an acceptor splice site in intron 1 of the RETREG1 gene. It is expected to disrupt RNA splicing. Variants that disrupt the donor or acceptor splice site typically lead to a loss of protein function (PMID: 16199547), and loss-of-function variants in RETREG1 are known to be pathogenic (PMID: 19838196). This variant is not present in population databases (gnomAD no frequency). This variant has not been reported in the literature in individuals affected with RETREG1-related conditions. Algorithms developed to predict the effect of sequence changes on RNA splicing suggest that this variant may disrupt the consensus splice site. In summary, the currently available evidence indicates that the variant is pathogenic, but additional data are needed to prove that conclusively. Therefore, this variant has been classified as Likely Pathogenic.

Literature cited by the submitters: PubMed 16199547; PubMed 19838196.

NM_001034850.3(RETREG1):c.321-1G>A

Gene: RETREG1 (reticulophagy regulator 1; minus strand). Cytogenetic location: 5p15.1.
Variant type: single nucleotide variant.
Coding change: c.321-1G>A on transcript NM_001034850.3 (MANE Select); the canonical splice acceptor site of the intron before coding-DNA position 321, G replaced by A.
Molecular consequence: splice acceptor variant.
Genome position (GRCh38, 1-based): chr5:16,572,103, C>T on the plus strand (G>A on the coding strand, the complement: RETREG1 is on the minus strand). VCF-style: chr5-16572103-C-T. GRCh37 (hg19) VCF-style: chr5-16572212-C-T.
Identifiers: ClinVar variation 2788964 (VCV002788964.3), dbSNP rs2477712778, ClinGen allele CA359292549.